The following is an entry in ClinVar:

NM_001457.4(FLNB):c.6103A>T (p.Ile2035Leu)

Gene: FLNB (filamin B; plus strand). Cytogenetic location: 3p14.3.
Variant type: single nucleotide variant.
Coding change: c.6103A>T on transcript NM_001457.4 (MANE Select); coding-DNA position 6103, A replaced by T.
Protein change: p.Ile2035Leu; replaces isoleucine 2035 with leucine.
Molecular consequence: missense variant.
Genome position (GRCh38, 1-based): chr3:58,149,861, A>T. VCF-style: chr3-58149861-A-T. GRCh37 (hg19) VCF-style: chr3-58135588-A-T.
Other names: c.6196A>T, p.Ile2066Leu (NM_001164317.2); c.6070A>T, p.Ile2024Leu (NM_001164318.2); c.6031A>T, p.Ile2011Leu (NM_001164319.2); short protein forms I2035L, I2066L, I2024L, I2011L.
Identifiers: ClinVar variation 2808553 (VCV002808553.3), dbSNP rs1171752585, ClinGen allele CA353356872.
Genomic context (GRCh38, chr3:58,149,861, plus strand): 5'-TCTTCCTGAGGAGCTGCTGTCAGAACAGCCTGGGGCTGCTGTGTTGCAGGTTATGGTGGC[A>T]TATCCTTGGCGGTGGAAGGCCCCAGCAAAGTGGACATCCAGACGGAGGACCTGGAAGATG-3'
Protein context (NP_001448.2, residues 2025-2045): VDTRDAGYGG[Ile2035Leu]SLAVEGPSKV

ClinVar aggregate classification (germline): Uncertain significance (1 of 4 stars; one submission).

Allele frequency attached by ClinVar (database versions not stated): gnomAD exomes 0.00001.
gnomAD v4.1: 20 of 1,614,250 alleles (0.0012%); highest among the groups gnomAD compares: Non-Finnish European, 0.0017%; no homozygotes.

Submission:

Labcorp Genetics (formerly Invitae), Labcorp
Classification: Uncertain significance. Last evaluated: 2023-07-03. Review status: criteria provided, single submitter. Criteria: Invitae Variant Classification Sherloc (09022015). Collection method: clinical testing. Allele origin: germline.
Comment: This sequence change replaces isoleucine, which is neutral and non-polar, with leucine, which is neutral and non-polar, at codon 2035 of the FLNB protein (p.Ile2035Leu). This variant is present in population databases (no rsID available, gnomAD 0.002%). This variant has not been reported in the literature in individuals affected with FLNB-related conditions. Advanced modeling of protein sequence and biophysical properties (such as structural, functional, and spatial information, amino acid conservation, physicochemical variation, residue mobility, and thermodynamic stability) performed at Invitae indicates that this missense variant is not expected to disrupt FLNB protein function. In summary, the available evidence is currently insufficient to determine the role of this variant in disease. Therefore, it has been classified as a Variant of Uncertain Significance.